The following is an entry in ClinVar:

ClinVar aggregate classification (germline): Pathogenic (1 of 4 stars; one submission).

Conditions:
Neurofibromatosis, type 1 (NF1). Also called: Neurofibromatosis, type I; Peripheral type neurofibromatosis; VON RECKLINGHAUSEN DISEASE; NEUROFIBROMATOSIS, TYPE I, SOMATIC. Identifiers: Orphanet 636, MedGen C0027831, MONDO:0018975, OMIM 162200. Disease mechanism: loss of function.

Submission:

Labcorp Genetics (formerly Invitae), Labcorp
Classification: Pathogenic for Neurofibromatosis, type 1. Last evaluated: 2022-07-15. Review status: criteria provided, single submitter. Criteria: Invitae Variant Classification Sherloc (09022015). Collection method: clinical testing. Allele origin: germline.
Comment: This sequence change creates a premature translational stop signal (p.Lys92*) in the NF1 gene. It is expected to result in an absent or disrupted protein product. Loss-of-function variants in NF1 are known to be pathogenic (PMID: 10712197, 23913538). This variant is not present in population databases (gnomAD no frequency). This variant has not been reported in the literature in individuals affected with NF1-related conditions. For these reasons, this variant has been classified as Pathogenic.

Literature cited by the submitters: PubMed 10712197; PubMed 23913538.

NM_001042492.3(NF1):c.274A>T (p.Lys92Ter)

Gene: NF1 (neurofibromin 1; plus strand). Cytogenetic location: 17q11.2.
Variant type: single nucleotide variant.
Coding change: c.274A>T on transcript NM_001042492.3 (MANE Select); coding-DNA position 274, A replaced by T.
Protein change: p.Lys92Ter; replaces lysine 92 with a stop codon.
Molecular consequence: nonsense.
Genome position (GRCh38, 1-based): chr17:31,159,079, A>T. VCF-style: chr17-31159079-A-T. GRCh37 (hg19) VCF-style: chr17-29486097-A-T.
Other names: c.274A>T, p.Lys92Ter (NM_000267.4, NM_001128147.3); short protein forms K92*.
Identifiers: ClinVar variation 2017600 (VCV002017600.4), dbSNP rs1555605396, ClinGen allele CA398989809.